The following is an entry in ClinVar:

NM_003036.4(SKI):c.1972C>G (p.Arg658Gly)

Gene: SKI (SKI proto-oncogene; plus strand). Cytogenetic location: 1p36.32.
Variant type: single nucleotide variant.
Coding change: c.1972C>G on transcript NM_003036.4 (MANE Select); coding-DNA position 1972, C replaced by G.
Protein change: p.Arg658Gly; replaces arginine 658 with glycine.
Molecular consequence: missense variant.
Genome position (GRCh38, 1-based): chr1:2,306,224, C>G. VCF-style: chr1-2306224-C-G. GRCh37 (hg19) VCF-style: chr1-2237663-C-G.
Other names: short protein forms R658G.
Identifiers: ClinVar variation 4864541 (VCV004864541.1).

ClinVar aggregate classification (germline): Uncertain significance (1 of 4 stars; one submission).

Conditions:
Familial thoracic aortic aneurysm and aortic dissection (TAAD). Also called: Thoracic aortic aneurysms and dissections. Identifiers: Orphanet 91387, MedGen C4707243, MONDO:0019625.

gnomAD v4.1: 1 of 1,560,468 alleles (0.000064%); no homozygotes.

Submission:

Ambry Genetics
Classification: Uncertain significance for Familial thoracic aortic aneurysm and aortic dissection. Last evaluated: 2026-05-27. Review status: criteria provided, single submitter. Criteria: Ambry Variant Classification Scheme 2023. Collection method: clinical testing. Allele origin: germline.
Comment: The c.1972C>G (p.R658G) alteration is located in exon 6 (coding exon 6) of the SKI gene. This alteration results from a C to G substitution at nucleotide position 1972, causing the arginine (R) at amino acid position 658 to be replaced by a glycine (G). Based on data from gnomAD, the G allele has an overall frequency of 0.003% (1/31342) total alleles studied. The highest observed frequency was <0.001% (/) of alleles. Based on insufficient or conflicting evidence, the clinical significance of this alteration remains unclear.